The following is an entry in ClinVar:

ClinVar aggregate classification (germline): Uncertain significance (1 of 4 stars; one submission).

Conditions:
TMEM67-related disorder. Also called: TMEM67-related disorders; TMEM67-related condition. Identifiers: MedGen CN239423.

Submission:

PreventionGenetics, part of Exact Sciences
Classification: Uncertain significance for TMEM67-related condition. Last evaluated: 2026-03-25. Review status: criteria provided, single submitter. Criteria: ACMG Guidelines, 2015. Collection method: clinical testing. Allele origin: germline.
Comment: The TMEM67 c.47T>C variant is predicted to result in the amino acid substitution p.Leu16Pro. To our knowledge, this variant has not been reported in the literature or in a large population database (gnomAD), indicating this variant is rare. At this time, the clinical significance of this variant is uncertain due to the absence of conclusive functional and genetic evidence.

NM_153704.6(TMEM67):c.47T>C (p.Leu16Pro)

Gene: TMEM67 (transmembrane protein 67; plus strand). Cytogenetic location: 8q22.1.
Variant type: single nucleotide variant.
Coding change: c.47T>C on transcript NM_153704.6 (MANE Select); coding-DNA position 47, T replaced by C.
Protein change: p.Leu16Pro; replaces leucine 16 with proline.
Molecular consequence: missense variant. On other transcripts: non-coding transcript variant (1), intron variant (1).
Genome position (GRCh38, 1-based): chr8:93,754,961, T>C. VCF-style: chr8-93754961-T-C. GRCh37 (hg19) VCF-style: chr8-94767189-T-C.
Other names: c.-180+52T>C (NM_001142301.1); short protein forms L16P.
Identifiers: ClinVar variation 4992096 (VCV004992096.1).